The following is an entry in ClinVar:

ClinVar aggregate classification (germline): Uncertain significance. Review status: criteria provided, multiple submitters, no conflicts (2 of 4 stars). 2 submissions from 2 submitters: Uncertain significance (2). Last evaluated 2025-08-12.

Allele frequency attached by ClinVar (database versions not stated): gnomAD exomes below 0.00001.
gnomAD v4.1: 4 of 1,551,572 alleles (0.00026%); highest among the groups gnomAD compares: Non-Finnish European, 0.00035%; no homozygotes.

Submissions (2):

Labcorp Genetics (formerly Invitae), Labcorp
Classification: Uncertain significance. Last evaluated: 2025-08-12. Review status: criteria provided, single submitter. Criteria: Invitae Variant Classification Sherloc (09022015). Collection method: clinical testing. Allele origin: germline.
Comment: This sequence change replaces arginine, which is basic and polar, with cysteine, which is neutral and slightly polar, at codon 824 of the COL2A1 protein (p.Arg824Cys). This variant is not present in population databases (gnomAD no frequency). This variant has not been reported in the literature in individuals affected with COL2A1-related conditions. ClinVar contains an entry for this variant (Variation ID: 1478565). Invitae Evidence Modeling of protein sequence and biophysical properties (such as structural, functional, and spatial information, amino acid conservation, physicochemical variation, residue mobility, and thermodynamic stability) indicates that this missense variant is not expected to disrupt COL2A1 protein function with a negative predictive value of 95%. In summary, the available evidence is currently insufficient to determine the role of this variant in disease. Therefore, it has been classified as a Variant of Uncertain Significance.

Blueprint Genetics
Classification: Uncertain significance. Last evaluated: 2022-01-31. Review status: criteria provided, single submitter. Criteria: ACMG Guidelines, 2015. Collection method: clinical testing. Allele origin: germline.

NM_001844.5(COL2A1):c.2470C>T (p.Arg824Cys)

Gene: COL2A1 (collagen type II alpha 1 chain; minus strand). Cytogenetic location: 12q13.11.
Variant type: single nucleotide variant.
Coding change: c.2470C>T on transcript NM_001844.5 (MANE Select); coding-DNA position 2470, C replaced by T.
Protein change: p.Arg824Cys; replaces arginine 824 with cysteine.
Molecular consequence: missense variant.
Genome position (GRCh38, 1-based): chr12:47,980,962, G>A on the plus strand (C>T on the coding strand, the complement: COL2A1 is on the minus strand). VCF-style: chr12-47980962-G-A. GRCh37 (hg19) VCF-style: chr12-48374745-G-A.
Other names: c.2263C>T, p.Arg755Cys (NM_033150.3); short protein forms R755C, R824C.
Identifiers: ClinVar variation 1478565 (VCV001478565.9), dbSNP rs1418853798, ClinGen allele CA384545040.